The following is an entry in ClinVar:

ClinVar aggregate classification (germline): Likely benign (1 of 4 stars; one submission).

gnomAD v4.1: 3 of 1,613,794 alleles (0.00019%); highest among the groups gnomAD compares: Non-Finnish European, 0.00025%; no homozygotes.

Submission:

Mayo Clinic Laboratories, Mayo Clinic
Classification: Likely benign. Last evaluated: 2025-02-07. Review status: criteria provided, single submitter. Criteria: ACMG Guidelines, 2015. Collection method: clinical testing. Allele origin: germline. Observed: 2 variant alleles.
Comment: BP4, BP7

NM_012062.5(DNM1L):c.420C>T (p.Val140=)

Gene: DNM1L (dynamin 1 like; plus strand). Cytogenetic location: 12p11.21.
Variant type: single nucleotide variant.
Coding change: c.420C>T on transcript NM_012062.5 (MANE Select); coding-DNA position 420, C replaced by T.
Protein change: p.Val140=; no amino-acid change (valine 140 retained).
Molecular consequence: synonymous variant. On other transcripts: intron variant (1).
Genome position (GRCh38, 1-based): chr12:32,710,979, C>T. VCF-style: chr12-32710979-C-T. GRCh37 (hg19) VCF-style: chr12-32863913-C-T.
Other names: p.Val140=; c.420C>T, p.Val140= (NM_001278463.2, NM_005690.5, NM_012063.4); c.459C>T, p.Val153= (NM_001278464.2, NM_001278465.2, NM_001330380.2); c.131+3566C>T (NM_001278466.2).
Identifiers: ClinVar variation 4683742 (VCV004683742.1).